The following is an entry in ClinVar:

ClinVar aggregate classification (germline): Conflicting classifications of pathogenicity. Review status: criteria provided, conflicting classifications (1 of 4 stars). 3 submissions from 3 submitters: Uncertain significance (1); Likely benign (2). Last evaluated 2024-05-01.

Conditions:
Hereditary breast ovarian cancer syndrome. Also called: Breast and ovarian cancer; Hereditary breast and ovarian cancer syndrome; BRCA1- and BRCA2-Associated Hereditary Breast and Ovarian Cancer; Hereditary breast and ovarian cancer syndrome (HBOC); Hereditary breast and/or ovarian cancer syndrome; Hereditary breast and ovarian cancer. Identifiers: Orphanet 145, MedGen C0677776, MeSH D061325, MONDO:0003582. Disease mechanism: loss of function.
Hereditary cancer-predisposing syndrome. Also called: Neoplastic Syndromes, Hereditary; Hereditary neoplastic syndrome; Tumor predisposition; Hereditary Cancer Syndrome. Identifiers: Orphanet 140162, MedGen C0027672, MeSH D009386, MONDO:0015356.

Submissions (3):

Ambry Genetics
Classification: Likely benign for Hereditary cancer-predisposing syndrome. Last evaluated: 2024-05-01. Review status: criteria provided, single submitter. Criteria: Ambry Variant Classification Scheme 2023. Collection method: clinical testing. Allele origin: germline.

University of Washington Department of Laboratory Medicine, University of Washington
Classification: Likely benign for Hereditary cancer-predisposing syndrome. Last evaluated: 2023-03-23. Review status: criteria provided, single submitter. Criteria: Dines et al. (Genet Med. 2020). Collection method: curation. Allele origin: germline.
Comment: Missense variant in a coldspot region where missense variants are very unlikely to be pathogenic (PMID:31911673).

BRCA2 exon 11 coldspot. Reclassification based on statistical prior probability.

Labcorp Genetics (formerly Invitae), Labcorp
Classification: Uncertain significance for Hereditary breast ovarian cancer syndrome. Last evaluated: 2022-05-16. Review status: criteria provided, single submitter. Criteria: Invitae Variant Classification Sherloc (09022015). Collection method: clinical testing. Allele origin: germline.
Comment: This sequence change replaces cysteine, which is neutral and slightly polar, with tyrosine, which is neutral and polar, at codon 2126 of the BRCA2 protein (p.Cys2126Tyr). This variant is not present in population databases (gnomAD no frequency). This variant has not been reported in the literature in individuals affected with BRCA2-related conditions. Advanced modeling of protein sequence and biophysical properties (such as structural, functional, and spatial information, amino acid conservation, physicochemical variation, residue mobility, and thermodynamic stability) performed at Invitae indicates that this missense variant is not expected to disrupt BRCA2 protein function. In summary, the available evidence is currently insufficient to determine the role of this variant in disease. Therefore, it has been classified as a Variant of Uncertain Significance.

NM_000059.4(BRCA2):c.6377G>A (p.Cys2126Tyr)

Gene: BRCA2 (BRCA2 DNA repair associated; plus strand). Cytogenetic location: 13q13.1.
Variant type: single nucleotide variant.
Coding change: c.6377G>A on transcript NM_000059.4 (MANE Select); coding-DNA position 6377, G replaced by A.
Protein change: p.Cys2126Tyr; replaces cysteine 2126 with tyrosine.
Molecular consequence: missense variant.
Genome position (GRCh38, 1-based): chr13:32,340,732, G>A. VCF-style: chr13-32340732-G-A. GRCh37 (hg19) VCF-style: chr13-32914869-G-A.
Other names: c.6377G>A, p.Cys2126Tyr (NM_001406719.1, NM_001406720.1); short protein forms C2126Y.
Identifiers: ClinVar variation 1995019 (VCV001995019.7), dbSNP rs2137526863, ClinGen allele CA387789183.